The following is an entry in ClinVar:

NM_033028.5(BBS4):c.1140_1147del (p.Leu381fs)

Gene: BBS4 (Bardet-Biedl syndrome 4; plus strand). Cytogenetic location: 15q24.1.
Variant type: Deletion.
Coding change: c.1140_1147del on transcript NM_033028.5 (MANE Select); coding-DNA positions 1140 to 1147, 8 bases deleted (GCTGCTGT; older notation c.1140_1147delGCTGCTGT).
Protein change: p.Leu381fs; shifts the reading frame from leucine 381.
Molecular consequence: frameshift variant. On other transcripts: non-coding transcript variant (2).
Genome position (GRCh38, 1-based): chr15:72,735,858-72,735,865, GCTGCTGT deleted; deleting any 8 consecutive bases within chr15:72,735,852-72,735,865 gives the same sequence; the c. name uses the placement nearest the transcript's 3' end. VCF-style (leftmost placement, unchanged base first): chr15-72735851-ATGCTGTGC-A. GRCh37 (hg19) VCF-style: chr15-73028192-ATGCTGTGC-A.
Other names: c.624_631del, p.Leu209fs (NM_001252678.2); c.1071_1078del, p.Leu358fs (NM_001320665.2); short protein forms L209fs, L358fs, L381fs.
Identifiers: ClinVar variation 2808664 (VCV002808664.4), dbSNP rs2065911737, ClinGen allele CA971352837.
Genomic context (GRCh38, chr15:72,735,851, plus strand): 5'-GCCCCCAGCTCCATAGAATCTCTGTCTGCCACAGGTGTAACCCTTTAGTAAACCTGAACT[ATGCTGTGC>A]TGCTGTACAACCAGGGCGAGAAGAAGAACGCCCTGGCCCAATATCAGGAGATGGAGAAGA-3'

ClinVar aggregate classification (germline): Pathogenic/Likely pathogenic. Review status: criteria provided, multiple submitters, no conflicts (2 of 4 stars). 2 submissions from 2 submitters: Pathogenic (1); Likely pathogenic (1). Last evaluated 2024-04-03.

Conditions:
Bardet-Biedl syndrome 4 (BBS4). Identifiers: Orphanet 110, MedGen C2936864, MONDO:0014433, OMIM 615982.
Bardet-Biedl syndrome (BBS). Identifiers: Orphanet 110, MedGen C0752166, MONDO:0015229.

Submissions (2):

Fulgent Genetics
Classification: Likely pathogenic for Bardet-Biedl syndrome 4. Last evaluated: 2024-04-03. Review status: criteria provided, single submitter. Criteria: ACMG Guidelines, 2015. Collection method: clinical testing. Allele origin: germline.

Labcorp Genetics (formerly Invitae), Labcorp
Classification: Pathogenic for Bardet-Biedl syndrome. Last evaluated: 2023-09-08. Review status: criteria provided, single submitter. Criteria: Invitae Variant Classification Sherloc (09022015). Collection method: clinical testing. Allele origin: germline.
Comment: This sequence change creates a premature translational stop signal (p.Leu381Glnfs*26) in the BBS4 gene. It is expected to result in an absent or disrupted protein product. Loss-of-function variants in BBS4 are known to be pathogenic (PMID: 11381270, 12016587, 20177705, 27894351). This variant is not present in population databases (gnomAD no frequency). This variant has not been reported in the literature in individuals affected with BBS4-related conditions. Algorithms developed to predict the effect of sequence changes on RNA splicing suggest that this variant may create or strengthen a splice site. For these reasons, this variant has been classified as Pathogenic.

Literature cited by the submitters: PubMed 11381270 (cited by Labcorp Genetics (formerly Invitae), Labcorp); PubMed 12016587 (cited by Labcorp Genetics (formerly Invitae), Labcorp); PubMed 20177705 (cited by Labcorp Genetics (formerly Invitae), Labcorp); PubMed 27894351 (cited by Labcorp Genetics (formerly Invitae), Labcorp).